The following is an entry in ClinVar:

ClinVar aggregate classification (germline): Uncertain significance (1 of 4 stars; one submission).

Conditions:
Bethlem myopathy 1A. Also called: MYOPATHY, BENIGN CONGENITAL, WITH CONTRACTURES; Bethlem myopathy 1; Bethlem Muscular Dystrophy. Identifiers: Orphanet 610, MedGen CN029274, MONDO:0024530, OMIM 158810.

Allele frequency attached by ClinVar (database versions not stated): gnomAD exomes below 0.00001; ExAC 0.00001.
gnomAD v4.1: 1 of 1,614,114 alleles (0.000062%); highest among the groups gnomAD compares: East Asian, 0.0022%; no homozygotes.

Submission:

Labcorp Genetics (formerly Invitae), Labcorp
Classification: Uncertain significance for Bethlem myopathy 1A. Last evaluated: 2026-01-19. Review status: criteria provided, single submitter. Criteria: Invitae Variant Classification Sherloc (09022015). Collection method: clinical testing. Allele origin: germline.
Comment: This sequence change replaces serine, which is neutral and polar, with asparagine, which is neutral and polar, at codon 1291 of the COL6A3 protein (p.Ser1291Asn). This variant is present in population databases (rs774423612, gnomAD 0.006%). This variant has not been reported in the literature in individuals affected with COL6A3-related conditions. ClinVar contains an entry for this variant (Variation ID: 3004286). Invitae Evidence Modeling of protein sequence and biophysical properties (such as structural, functional, and spatial information, amino acid conservation, physicochemical variation, residue mobility, and thermodynamic stability) indicates that this missense variant is not expected to disrupt COL6A3 protein function with a negative predictive value of 80%. In summary, the available evidence is currently insufficient to determine the role of this variant in disease. Therefore, it has been classified as a Variant of Uncertain Significance.

NM_004369.4(COL6A3):c.3872G>A (p.Ser1291Asn)

Gene: COL6A3 (collagen type VI alpha 3 chain; minus strand). Cytogenetic location: 2q37.3.
Variant type: single nucleotide variant.
Coding change: c.3872G>A on transcript NM_004369.4 (MANE Select); coding-DNA position 3872, G replaced by A.
Protein change: p.Ser1291Asn; replaces serine 1291 with asparagine.
Molecular consequence: missense variant.
Genome position (GRCh38, 1-based): chr2:237,372,145, C>T on the plus strand (G>A on the coding strand, the complement: COL6A3 is on the minus strand). VCF-style: chr2-237372145-C-T. GRCh37 (hg19) VCF-style: chr2-238280788-C-T.
Other names: c.2651G>A, p.Ser884Asn (NM_057164.5); c.3254G>A, p.Ser1085Asn (NM_057165.5, NM_057167.4); c.2051G>A, p.Ser684Asn (NM_057166.5); short protein forms S1291N, S884N, S1085N, S684N.
Identifiers: ClinVar variation 3004286 (VCV003004286.3), dbSNP rs774423612, ClinGen allele CA2189056.